The following is an entry in ClinVar:

ClinVar aggregate classification (germline): Uncertain significance. Review status: criteria provided, single submitter (1 of 4 stars). 2 submissions from 2 submitters: Uncertain significance (1). 1 of the submissions does not count toward it. Last evaluated 2024-08-07.

Conditions:
CTU2-related disorder. Also called: CTU2-related condition.

Allele frequency attached by ClinVar (database versions not stated): ExAC 0.00005; TOPMed 0.00001; gnomAD exomes 0.00005.

Submissions (2):

Ambry Genetics
Classification: Uncertain significance. Last evaluated: 2024-08-07. Review status: criteria provided, single submitter. Criteria: Ambry Variant Classification Scheme 2023. Collection method: clinical testing. Allele origin: germline.

PreventionGenetics, part of Exact Sciences
Classification: Uncertain significance for CTU2-related condition. Last evaluated: 2023-10-18. Review status: no assertion criteria provided. Collection method: clinical testing. Allele origin: germline. Not counted in ClinVar's aggregate classification.
Comment: The CTU2 c.1525G>A variant is predicted to result in the amino acid substitution p.Asp509Asn. To our knowledge, this variant has not been reported in the literature. This variant is reported in 0.010% of alleles in individuals of East Asian descent in gnomAD. At this time, the clinical significance of this variant is uncertain due to the absence of conclusive functional and genetic evidence.

NM_001012759.3(CTU2):c.1525G>A (p.Asp509Asn)

Gene: CTU2 (cytosolic thiouridylase subunit 2; plus strand). Cytogenetic location: 16q24.3.
Variant type: single nucleotide variant.
Coding change: c.1525G>A on transcript NM_001012759.3 (MANE Select); coding-DNA position 1525, G replaced by A.
Protein change: p.Asp509Asn; replaces aspartic acid 509 with asparagine.
Molecular consequence: missense variant. On other transcripts: 3 prime UTR variant (1).
Genome position (GRCh38, 1-based): chr16:88,715,228, G>A. VCF-style: chr16-88715228-G-A. GRCh37 (hg19) VCF-style: chr16-88781636-G-A.
Other names: c.*8G>A (NM_001012762.3); c.1738G>A, p.Asp580Asn (NM_001318507.2); c.1264G>A, p.Asp422Asn (NM_001318513.2); short protein forms D422N, D509N, D580N.
Identifiers: ClinVar variation 3036001 (VCV003036001.3), dbSNP rs772250545, ClinGen allele CA8231246.